The following is an entry in ClinVar:

NM_001184.4(ATR):c.236C>T (p.Ser79Phe)

Gene: ATR (ATR checkpoint kinase; minus strand). Cytogenetic location: 3q23.
Variant type: single nucleotide variant.
Coding change: c.236C>T on transcript NM_001184.4 (MANE Select); coding-DNA position 236, C replaced by T.
Protein change: p.Ser79Phe; replaces serine 79 with phenylalanine.
Molecular consequence: missense variant.
Genome position (GRCh38, 1-based): chr3:142,566,177, G>A on the plus strand (C>T on the coding strand, the complement: ATR is on the minus strand). VCF-style: chr3-142566177-G-A. GRCh37 (hg19) VCF-style: chr3-142285019-G-A.
Other names: c.236C>T, p.Ser79Phe (NM_001354579.2); short protein forms S79F.
Identifiers: ClinVar variation 2567832 (VCV002567832.2), dbSNP rs2108494163, ClinGen allele CA354828453.
Genomic context (GRCh38, chr3:142,566,177, plus strand): 5'-TTACCAATACAACTGCCTTTGGCCTCATGGCTTCCACTCACATTTACAAACATAAGTGGG[G>A]AGGATTTCATGATATGCTGGATGAAATCAAGCAACATCACGGAGGTTGGCTGAGAGTCAG-3'
Protein context (NP_001175.2, residues 69-89): LDFIQHIMKS[Ser79Phe]PLMFVNVSGS

ClinVar aggregate classification (germline): Uncertain significance (1 of 4 stars; one submission).

Conditions:
Inborn genetic diseases. Identifiers: MedGen C0950123, MeSH D030342.

Allele frequency attached by ClinVar (database versions not stated): gnomAD exomes below 0.00001.
gnomAD v4.1: 1 of 1,614,170 alleles (0.000062%); highest among the groups gnomAD compares: South Asian, 0.0011%; no homozygotes.

Submission:

Ambry Genetics
Classification: Uncertain significance for Inborn genetic diseases. Last evaluated: 2023-05-15. Review status: criteria provided, single submitter. Criteria: Ambry Variant Classification Scheme 2023. Collection method: clinical testing. Allele origin: germline.
Comment: The p.S79F variant (also known as c.236C>T), located in coding exon 3 of the ATR gene, results from a C to T substitution at nucleotide position 236. The serine at codon 79 is replaced by phenylalanine, an amino acid with highly dissimilar properties. This amino acid position is conserved. In addition, this alteration is predicted to be tolerated by in silico analysis. Since supporting evidence is limited at this time, the clinical significance of this alteration remains unclear.